The following is an entry in ClinVar:

ClinVar aggregate classification (germline): Uncertain significance (1 of 4 stars; one submission).

Conditions:
Asphyxiating thoracic dystrophy 5 (SRTD5). Also called: SHORT-RIB THORACIC DYSPLASIA 5 WITH OR WITHOUT POLYDACTYLY; SHORT-RIB THORACIC DYSPLASIA 5 WITHOUT POLYDACTYLY. Identifiers: Orphanet 474, MedGen C3280598, MONDO:0013717, OMIM 614376.
Senior-Loken syndrome 8 (SLSN8). Identifiers: Orphanet 3156, MedGen C4225376, MONDO:0014579, OMIM 616307.

Allele frequency attached by ClinVar (database versions not stated): gnomAD exomes below 0.00001 and 0.00001; gnomAD 0.00001.
gnomAD v4.1: 8 of 1,586,116 alleles (0.0005%); highest among the groups gnomAD compares: Non-Finnish European, 0.00069%; no homozygotes.

Submission:

Labcorp Genetics (formerly Invitae), Labcorp
Classification: Uncertain significance for Senior-Loken syndrome 8; Asphyxiating thoracic dystrophy 5. Last evaluated: 2021-08-24. Review status: criteria provided, single submitter. Criteria: Invitae Variant Classification Sherloc (09022015). Collection method: clinical testing. Allele origin: germline.
Comment: This sequence change replaces valine with isoleucine at codon 311 of the WDR19 protein (p.Val311Ile). The valine residue is weakly conserved and there is a small physicochemical difference between valine and isoleucine. This variant is not present in population databases (ExAC no frequency). This variant has not been reported in the literature in individuals affected with WDR19-related conditions. Algorithms developed to predict the effect of missense changes on protein structure and function (SIFT, PolyPhen-2, Align-GVGD) all suggest that this variant is likely to be tolerated. In summary, the available evidence is currently insufficient to determine the role of this variant in disease. Therefore, it has been classified as a Variant of Uncertain Significance.

NM_025132.4(WDR19):c.931G>A (p.Val311Ile)

Gene: WDR19 (WD repeat domain 19; plus strand). Cytogenetic location: 4p14.
Variant type: single nucleotide variant.
Coding change: c.931G>A on transcript NM_025132.4 (MANE Select); coding-DNA position 931, G replaced by A.
Protein change: p.Val311Ile; replaces valine 311 with isoleucine.
Molecular consequence: missense variant.
Genome position (GRCh38, 1-based): chr4:39,214,641, G>A. VCF-style: chr4-39214641-G-A. GRCh37 (hg19) VCF-style: chr4-39216261-G-A.
Other names: c.451G>A, p.Val151Ile (NM_001317924.2); short protein forms V151I, V311I.
Identifiers: ClinVar variation 1037426 (VCV001037426.6), dbSNP rs1300934052, ClinGen allele CA356636181.
Genomic context (GRCh38, chr4:39,214,641, plus strand): 5'-AATGCATTTTTGTTTTTCAGCATTAAAATCCAAGACTTGGTTGACTTAAAAGACATGTAT[G>A]TTATACTCAACCTGGATGAGGAAAATAAAGGTATTGATTTTTCTGAAGCAGATTGACATT-3'
Protein context (NP_079408.3, residues 301-321): QDLVDLKDMY[Val311Ile]ILNLDEENKG